The following is an entry in ClinVar:

NM_001365480.1(CCDC88A):c.4649C>G (p.Ser1550Cys)

Gene: CCDC88A (coiled-coil and HOOK domain protein 88A; minus strand). Cytogenetic location: 2p16.1.
Variant type: single nucleotide variant.
Coding change: c.4649C>G on transcript NM_001365480.1 (MANE Select); coding-DNA position 4649, C replaced by G.
Protein change: p.Ser1550Cys; replaces serine 1550 with cysteine.
Molecular consequence: missense variant.
Genome position (GRCh38, 1-based): chr2:55,301,895, G>C on the plus strand (C>G on the coding strand, the complement: CCDC88A is on the minus strand). VCF-style: chr2-55301895-G-C. GRCh37 (hg19) VCF-style: chr2-55529031-G-C.
Other names: c.4646C>G, p.Ser1549Cys (NM_001135597.2, NM_001254943.2); c.4565C>G, p.Ser1522Cys (NM_018084.5); c.4646C>G (NM_001135597.1); short protein forms S1522C, S1550C, S1549C.
Identifiers: ClinVar variation 2170969 (VCV002170969.6), dbSNP rs763151792, ClinGen allele CA47624804.
Genomic context (GRCh38, chr2:55,301,895, plus strand): 5'-CAATTACACCACAGTGCAAATAGCAGACAGCCTATACCTTTATTATTAACCAACTGCTTG[G>C]ATCTGAAGCCTGCAGAAGAGTTGACAGTTGAAAAGTTGATGGCTGTAGTAGAGAAGGCCA-3'
Protein context (NP_001352409.1, residues 1540-1560): STVNSSAGFR[Ser1550Cys]KQLVNNKDTT

ClinVar aggregate classification (germline): Uncertain significance. Review status: criteria provided, multiple submitters, no conflicts (2 of 4 stars). 2 submissions from 2 submitters: Uncertain significance (2). Last evaluated 2023-02-27.

Allele frequency attached by ClinVar (database versions not stated): TOPMed 0.00002; gnomAD 0.00003.
gnomAD v4.1: 6 of 1,613,984 alleles (0.00037%); highest among the groups gnomAD compares: African/African-American, 0.008%; no homozygotes.

Submissions (2):

Ambry Genetics
Classification: Uncertain significance. Last evaluated: 2023-02-27. Review status: criteria provided, single submitter. Criteria: Ambry Variant Classification Scheme 2023. Collection method: clinical testing. Allele origin: germline.

Labcorp Genetics (formerly Invitae), Labcorp
Classification: Uncertain significance. Last evaluated: 2022-08-20. Review status: criteria provided, single submitter. Criteria: Invitae Variant Classification Sherloc (09022015). Collection method: clinical testing. Allele origin: germline.
Comment: This sequence change replaces serine, which is neutral and polar, with cysteine, which is neutral and slightly polar, at codon 1549 of the CCDC88A protein (p.Ser1549Cys). In summary, the available evidence is currently insufficient to determine the role of this variant in disease. Therefore, it has been classified as a Variant of Uncertain Significance. Algorithms developed to predict the effect of missense changes on protein structure and function are either unavailable or do not agree on the potential impact of this missense change (SIFT: "Deleterious"; PolyPhen-2: "Possibly Damaging"; Align-GVGD: "Class C0"). This variant has not been reported in the literature in individuals affected with CCDC88A-related conditions. This variant is present in population databases (no rsID available, gnomAD 0.007%).